The following is an entry in ClinVar:

ClinVar aggregate classification (germline): Conflicting classifications of pathogenicity. Review status: criteria provided, conflicting classifications (1 of 4 stars). 2 submissions from 2 submitters: Likely pathogenic (1); Uncertain significance (1). Last evaluated 2025-09-17.

Conditions:
Primary ciliary dyskinesia 35. Also called: CILIARY DYSKINESIA, PRIMARY, 35, WITH OR WITHOUT SITUS INVERSUS. Identifiers: Orphanet 244, MedGen C4310721, MONDO:0014910, OMIM 617092.

gnomAD v4.1: 161 of 724,562 alleles (0.022%); highest among the groups gnomAD compares: East Asian, 0.38%; 1 homozygote.

Submissions (4):

First Genomix Gene Laboratory, Genetic Diagnostics Department
Classification: Likely pathogenic for Primary ciliary dyskinesia 35. Last evaluated: 2025-09-17. Review status: criteria provided, single submitter. Criteria: ACMG Guidelines, 2015. Collection method: clinical testing. Allele origin: germline. Inheritance: Autosomal recessive inheritance. Affected: no. Observed: 1 variant allele.

Blueprint Genetics
Classification: Uncertain significance. Last evaluated: 2024-11-18. Review status: criteria provided, single submitter. Criteria: ACMG Guidelines, 2015. Collection method: clinical testing. Allele origin: germline.

Dr. Peter K. Rogan Lab, Western University
No classification provided (evidence only). Condition: Colorectal cancer. Review status: no classification provided. Collection method: in vitro. Allele origin: not applicable. Functional consequence: retained intron. Not counted in ClinVar's aggregate classification.

Dr. Peter K. Rogan Lab, Western University
No classification provided (evidence only). Condition: Hepatocellular carcinoma. Review status: no classification provided. Collection method: in vitro. Allele origin: not applicable. Functional consequence: retained intron. Not counted in ClinVar's aggregate classification.

NM_031421.5(ODAD4):c.1528+1G>T

Gene: ODAD4 (outer dynein arm docking complex subunit 4; plus strand). Cytogenetic location: 17q21.2.
Variant type: single nucleotide variant.
Coding change: c.1528+1G>T on transcript NM_031421.5 (MANE Select); the canonical splice donor site of the intron after coding-DNA position 1528, G replaced by T.
Molecular consequence: splice donor variant.
Genome position (GRCh38, 1-based): chr17:41,961,467, G>T. VCF-style: chr17-41961467-G-T. GRCh37 (hg19) VCF-style: chr17-40113485-G-T.
Other names: c.1427+1G>T (NM_001350319.2).
Identifiers: ClinVar variation 4502271 (VCV004502271.2).
Genomic context (GRCh38, chr17:41,961,467, plus strand): 5'-TCATCAGAGAACTGAGGAAAACCAACTACGTGGAGAATCTCAAAGAAAAAAGCGAGGGAG[G>T]TGAGTTCCTGAAACTCTGAAAAGGCAACTTCAGCATTCTCCCTCTGCTTTCTTTTCCTCT-3'